The following is an entry in ClinVar:

ClinVar aggregate classification (germline): Uncertain significance. Review status: criteria provided, multiple submitters, no conflicts (2 of 4 stars). 2 submissions from 2 submitters: Uncertain significance (2). Last evaluated 2025-08-27.

Conditions:
Inborn genetic diseases. Identifiers: MedGen C0950123, MeSH D030342.
Peroxisome biogenesis disorder 2B (PBD2B). Identifiers: Orphanet 44, MedGen C3550234, MONDO:0008736, OMIM 202370.

Allele frequency attached by ClinVar (database versions not stated): gnomAD exomes below 0.00001; TOPMed 0.00001.
gnomAD v4.1: 1 of 1,614,154 alleles (0.000062%); highest among the groups gnomAD compares: Non-Finnish European, 0.000085%; no homozygotes.

Submissions (2):

Ambry Genetics
Classification: Uncertain significance for Inborn genetic diseases. Last evaluated: 2025-08-27. Review status: criteria provided, single submitter. Criteria: Ambry Variant Classification Scheme 2023. Collection method: clinical testing. Allele origin: germline.

Labcorp Genetics (formerly Invitae), Labcorp
Classification: Uncertain significance for Peroxisome biogenesis disorder 2B. Last evaluated: 2024-11-05. Review status: criteria provided, single submitter. Criteria: Invitae Variant Classification Sherloc (09022015). Collection method: clinical testing. Allele origin: germline.
Comment: This sequence change replaces alanine, which is neutral and non-polar, with valine, which is neutral and non-polar, at codon 410 of the PEX5 protein (p.Ala410Val). This variant is not present in population databases (gnomAD no frequency). This variant has not been reported in the literature in individuals affected with PEX5-related conditions. ClinVar contains an entry for this variant (Variation ID: 1945309). Invitae Evidence Modeling of protein sequence and biophysical properties (such as structural, functional, and spatial information, amino acid conservation, physicochemical variation, residue mobility, and thermodynamic stability) indicates that this missense variant is expected to disrupt PEX5 protein function with a positive predictive value of 80%. In summary, the available evidence is currently insufficient to determine the role of this variant in disease. Therefore, it has been classified as a Variant of Uncertain Significance.

NM_001351132.2(PEX5):c.1229C>T (p.Ala410Val)

Gene: PEX5 (peroxisomal biogenesis factor 5; plus strand). Cytogenetic location: 12p13.31.
Variant type: single nucleotide variant.
Coding change: c.1229C>T on transcript NM_001351132.2 (MANE Select); coding-DNA position 1229, C replaced by T.
Protein change: p.Ala410Val; replaces alanine 410 with valine.
Molecular consequence: missense variant.
Genome position (GRCh38, 1-based): chr12:7,208,504, C>T. VCF-style: chr12-7208504-C-T. GRCh37 (hg19) VCF-style: chr12-7361100-C-T.
Other names: c.1205C>T, p.Ala402Val (NM_000319.5); c.1274C>T, p.Ala425Val (NM_001131023.2); c.1118C>T, p.Ala373Val (NM_001131024.2, NM_001351124.3, NM_001351126.2 and 7 more transcripts); c.1229C>T, p.Ala410Val (NM_001131025.2, NM_001131026.2, NM_001300789.3 and 4 more transcripts); c.1163C>T, p.Ala388Val (NM_001351135.3, NM_001351138.2); c.1220C>T, p.Ala407Val (NM_001351136.2); c.1094C>T, p.Ala365Val (NM_001351139.2, NM_001351140.2, NM_001374649.2); c.1229C>T (NM_001131025.1); short protein forms A410V, A402V, A407V, A373V, A388V, A365V, A425V.
Identifiers: ClinVar variation 1945309 (VCV001945309.5), dbSNP rs1181581366, ClinGen allele CA383732713.